The following is an entry in ClinVar:

NM_001457.4(FLNB):c.2158G>A (p.Val720Met)

Gene: FLNB (filamin B; plus strand). Cytogenetic location: 3p14.3.
Variant type: single nucleotide variant.
Coding change: c.2158G>A on transcript NM_001457.4 (MANE Select); coding-DNA position 2158, G replaced by A.
Protein change: p.Val720Met; replaces valine 720 with methionine.
Molecular consequence: missense variant.
Genome position (GRCh38, 1-based): chr3:58,109,281, G>A. VCF-style: chr3-58109281-G-A. GRCh37 (hg19) VCF-style: chr3-58095008-G-A.
Other names: c.2158G>A, p.Val720Met (NM_001164317.2, NM_001164318.2, NM_001164319.2); short protein forms V720M.
Identifiers: ClinVar variation 3775432 (VCV003775432.1).

ClinVar aggregate classification (germline): Uncertain significance (1 of 4 stars; one submission).

Conditions:
Larsen syndrome (LRS). Also called: Bilateral dislocation of the knees, pes cavus, cylindrically shaped fingers and characteristic facies; Larsen syndrome (FLNB-LS). Identifiers: Orphanet 503, MedGen C0175778, MONDO:0007875, OMIM 150250. Disease mechanism: loss of function.

gnomAD v4.1: 2 of 1,614,208 alleles (0.00012%); highest among the groups gnomAD compares: Middle Eastern, 0.016%; no homozygotes.

Submission:

3billion
Classification: Uncertain significance for Larsen syndrome. Last evaluated: 2023-07-13. Review status: criteria provided, single submitter. Criteria: ACMG Guidelines, 2015. Collection method: clinical testing. Allele origin: germline. Affected: yes.
Comment: The variant is observed at an extremely low frequency in the gnomAD v2.1.1 dataset (total allele frequency: <0.001%). Predicted Consequence/Location: Missense variant In silico tool predictions suggest damaging effect of the variant on gene or gene product (REVEL: 0.70; 3Cnet: 0.24). Therefore, this variant is classified as VUS according to the recommendation of ACMG/AMP guideline.